The following is an entry in ClinVar:

ClinVar aggregate classification (germline): Uncertain significance (1 of 4 stars; one submission).

Allele frequency attached by ClinVar (database versions not stated): TOPMed 0.00001.
gnomAD v4.1: 1 of 1,613,868 alleles (0.000062%); no homozygotes.

Submission:

Labcorp Genetics (formerly Invitae), Labcorp
Classification: Uncertain significance. Last evaluated: 2024-11-18. Review status: criteria provided, single submitter. Criteria: Invitae Variant Classification Sherloc (09022015). Collection method: clinical testing. Allele origin: germline.
Comment: This sequence change replaces glycine, which is neutral and non-polar, with glutamic acid, which is acidic and polar, at codon 54 of the RDH11 protein (p.Gly54Glu). This variant is not present in population databases (gnomAD no frequency). This variant has not been reported in the literature in individuals affected with RDH11-related conditions. ClinVar contains an entry for this variant (Variation ID: 2121560). An algorithm developed to predict the effect of missense changes on protein structure and function (PolyPhen-2) suggests that this variant is likely to be disruptive. In summary, the available evidence is currently insufficient to determine the role of this variant in disease. Therefore, it has been classified as a Variant of Uncertain Significance.

NM_016026.4(RDH11):c.161G>A (p.Gly54Glu)

Genes: GPHN (gephyrin; plus strand), RDH11 (retinol dehydrogenase 11; minus strand). Cytogenetic location: 14q24.1.
Variant type: single nucleotide variant.
Coding change: c.161G>A on transcript NM_016026.4 (MANE Select); coding-DNA position 161, G replaced by A.
Protein change: p.Gly54Glu; replaces glycine 54 with glutamic acid.
Molecular consequence: missense variant.
Genome position (GRCh38, 1-based): chr14:67,692,966, C>T on the plus strand (G>A on the coding strand, the complement: RDH11 is on the minus strand). VCF-style: chr14-67692966-C-T. GRCh37 (hg19) VCF-style: chr14-68159683-C-T.
Other names: c.161G>A, p.Gly54Glu (NM_001252650.2); short protein forms G54E.
Identifiers: ClinVar variation 2121560 (VCV002121560.4), dbSNP rs2037770648, ClinGen allele CA390137131.